The following is an entry in ClinVar:

ClinVar aggregate classification (germline): Likely pathogenic (1 of 4 stars; one submission).

Conditions:
Methylcobalamin deficiency type cblE (HMAE). Also called: HOMOCYSTINURIA-MEGALOBLASTIC ANEMIA, cblE TYPE; HOMOCYSTINURIA-MEGALOBLASTIC ANEMIA, cblE COMPLEMENTATION TYPE; VITAMIN B12-RESPONSIVE HOMOCYSTINURIA, cblE TYPE. Identifiers: Orphanet 2169, Orphanet 622, MedGen C1856057, MONDO:0009354, OMIM 236270.

Submission:

Natera, Inc.
Classification: Likely pathogenic for CblE complementation type homocystinuria-megaloblastic anemia due to defect in cobalamin metabolism. Last evaluated: 2025-03-31. Review status: criteria provided, single submitter. Criteria: Natera Variant Classification Schema (03/2026). Collection method: clinical testing. Allele origin: germline.
Comment: The c.1876C>T variant in MTRR is a nonsense variant predicted to introduce a stop codon at amino acid 626. This variant is expected to result in nonsense mediated decay, truncation, or a dysfunctional protein product. This variant is rare in the general population with a frequency below the threshold expected for the associated phenotype(s). Given the available evidence, this variant is classified as Likely Pathogenic.

NM_002454.3(MTRR):c.1876C>T (p.Gln626Ter)

Gene: MTRR (5-methyltetrahydrofolate-homocysteine methyltransferase reductase; plus strand). Cytogenetic location: 5p15.31.
Variant type: single nucleotide variant.
Coding change: c.1876C>T on transcript NM_002454.3 (MANE Select); coding-DNA position 1876, C replaced by T.
Protein change: p.Gln626Ter; replaces glutamine 626 with a stop codon.
Molecular consequence: nonsense. On other transcripts: non-coding transcript variant (14).
Genome position (GRCh38, 1-based): chr5:7,897,171, C>T. VCF-style: chr5-7897171-C-T. GRCh37 (hg19) VCF-style: chr5-7897284-C-T.
Other names: c.1876C>T, p.Gln626Ter (NM_001364440.2, NM_001364441.2, NM_001364442.2 and 1 more transcripts); short protein forms Q626*.
Identifiers: ClinVar variation 4815058 (VCV004815058.1).